The following is an entry in ClinVar:

NM_006563.5(KLF1):c.895C>G (p.His299Asp)

Genes: KLF1 (KLF transcription factor 1; minus strand), LOC117125591 (CRISPRi-FlowFISH-validated PRDX2 and RAD23A regulatory element; plus strand). Cytogenetic location: 19p13.13.
Variant type: single nucleotide variant.
Coding change: c.895C>G on transcript NM_006563.5 (MANE Select); coding-DNA position 895, C replaced by G.
Protein change: p.His299Asp; replaces histidine 299 with aspartic acid.
Molecular consequence: missense variant.
Genome position (GRCh38, 1-based): chr19:12,885,335, G>C on the plus strand (C>G on the coding strand, the complement: KLF1 is on the minus strand). VCF-style: chr19-12885335-G-C. GRCh37 (hg19) VCF-style: chr19-12996149-G-C.
Other names: short protein forms H299D.
Identifiers: ClinVar variation 100800 (VCV000100800.2), dbSNP rs137852688, ClinGen allele CA228978.

ClinVar aggregate classification (germline): Likely pathogenic (0 of 4 stars; one submission).

Allele frequency attached by ClinVar (database versions not stated): gnomAD exomes below 0.00001.

Submission:

Department of Medical Genetics, Oslo University Hospital
Classification: Likely pathogenic. Review status: no assertion criteria provided. Collection method: not provided. Allele origin: unknown.
Comment: p.His299Asp
ClinVar note: Converted during submission from probable-pathogenic to Likely pathogenic.